The following is an entry in ClinVar:

ClinVar aggregate classification (germline): Uncertain significance (1 of 4 stars; one submission).

Conditions:
Familial thoracic aortic aneurysm and aortic dissection (TAAD). Also called: Thoracic aortic aneurysms and dissections. Identifiers: Orphanet 91387, MedGen C4707243, MONDO:0019625.

Submission:

Ambry Genetics
Classification: Uncertain significance for Familial thoracic aortic aneurysm and aortic dissection. Last evaluated: 2017-06-23. Review status: criteria provided, single submitter. Criteria: Ambry Variant Classification Scheme 2023. Collection method: clinical testing. Allele origin: germline.
Comment: The p.V317L variant (also known as c.949G>C), located in coding exon 2 of the SLC2A10 gene, results from a G to C substitution at nucleotide position 949. The valine at codon 317 is replaced by leucine, an amino acid with highly similar properties. This amino acid position is not well conserved in available vertebrate species. In addition, this alteration is predicted to be tolerated by in silico analysis. Since supporting evidence is limited at this time, the clinical significance of this alteration remains unclear.

NM_030777.4(SLC2A10):c.949G>C (p.Val317Leu)

Gene: SLC2A10 (solute carrier family 2 member 10; plus strand). Cytogenetic location: 20q13.12.
Variant type: single nucleotide variant.
Coding change: c.949G>C on transcript NM_030777.4 (MANE Select); coding-DNA position 949, G replaced by C.
Protein change: p.Val317Leu; replaces valine 317 with leucine.
Molecular consequence: missense variant.
Genome position (GRCh38, 1-based): chr20:46,725,985, G>C. VCF-style: chr20-46725985-G-C. GRCh37 (hg19) VCF-style: chr20-45354624-G-C.
Other names: short protein forms V317L.
Identifiers: ClinVar variation 520177 (VCV000520177.5), dbSNP rs781230863, ClinGen allele CA409268733.